The following is an entry in ClinVar:

ClinVar aggregate classification (germline): Uncertain significance (1 of 4 stars; one submission).

Allele frequency attached by ClinVar (database versions not stated): gnomAD exomes below 0.00001.
gnomAD v4.1: 3 of 1,196,663 alleles (0.00025%); highest among the groups gnomAD compares: Non-Finnish European, 0.00034%; no homozygotes.

Submission:

CeGaT Center for Human Genetics Tuebingen
Classification: Uncertain significance. Last evaluated: 2022-06-01. Review status: criteria provided, single submitter. Criteria: CeGaT Center For Human Genetics Tuebingen Variant Classification Criteria Version 2. Collection method: clinical testing. Allele origin: germline. Affected: yes. Observed: 1 variant allele.
Comment: PLS3: PM2, PP3

NM_005032.7(PLS3):c.1209C>G (p.Phe403Leu)

Gene: PLS3 (plastin 3; plus strand). Cytogenetic location: Xq23.
Variant type: single nucleotide variant.
Coding change: c.1209C>G on transcript NM_005032.7 (MANE Select); coding-DNA position 1209, C replaced by G.
Protein change: p.Phe403Leu; replaces phenylalanine 403 with leucine.
Molecular consequence: missense variant.
Genome position (GRCh38, 1-based): chrX:115,645,046, C>G. VCF-style: chrX-115645046-C-G. GRCh37 (hg19) VCF-style: chrX-114879366-C-G.
Other names: c.1209C>G, p.Phe403Leu (NM_001136025.5); c.1128C>G, p.Phe376Leu (NM_001172335.3); c.1170C>G, p.Phe390Leu (NM_001282337.2); c.1074C>G, p.Phe358Leu (NM_001282338.2); short protein forms F358L, F376L, F390L, F403L.
Identifiers: ClinVar variation 2661253 (VCV002661253.24), dbSNP rs2074937050, ClinGen allele CA414335440.